The following is an entry in ClinVar:

ClinVar aggregate classification (germline): Uncertain significance. Review status: criteria provided, multiple submitters, no conflicts (2 of 4 stars). 2 submissions from 2 submitters: Uncertain significance (2). Last evaluated 2024-06-13.

Conditions:
Combined immunodeficiency with skin granulomas. Identifiers: Orphanet 157949, MedGen C2673536, MONDO:0009306, OMIM 233650.
Severe combined immunodeficiency, autosomal recessive, T cell-negative, B cell-negative, NK cell-positive. Also called: SCID, T CELL-NEGATIVE, B CELL-NEGATIVE, NK CELL-POSITIVE; SCID, AR, T-cell negative, B-cell negative, NK cell-positive; Severe combined immunodeficiency due to complete RAG1/2 deficiency. Identifiers: Orphanet 331206, MedGen C1832322, MONDO:0011086, OMIM 601457.

Allele frequency attached by ClinVar (database versions not stated): gnomAD exomes below 0.00001 and 0.00002; ExAC 0.00001; gnomAD 0.00002 and 0.00003; TOPMed 0.00005.
gnomAD v4.1: 37 of 1,613,896 alleles (0.0023%); highest among the groups gnomAD compares: South Asian, 0.0099%; no homozygotes.

Submissions (2):

Blueprint Genetics
Classification: Uncertain significance. Last evaluated: 2024-06-13. Review status: criteria provided, single submitter. Criteria: ACMG Guidelines, 2015. Collection method: clinical testing. Allele origin: germline.

Labcorp Genetics (formerly Invitae), Labcorp
Classification: Uncertain significance for Combined immunodeficiency with skin granulomas; Severe combined immunodeficiency, autosomal recessive, T cell-negative, B cell-negative, NK cell-positive. Last evaluated: 2022-04-01. Review status: criteria provided, single submitter. Criteria: Invitae Variant Classification Sherloc (09022015). Collection method: clinical testing. Allele origin: germline.
Comment: This sequence change replaces proline, which is neutral and non-polar, with leucine, which is neutral and non-polar, at codon 152 of the RAG1 protein (p.Pro152Leu). This variant is present in population databases (rs763843831, gnomAD 0.003%). This variant has not been reported in the literature in individuals affected with RAG1-related conditions. ClinVar contains an entry for this variant (Variation ID: 1025020). Advanced modeling of protein sequence and biophysical properties (such as structural, functional, and spatial information, amino acid conservation, physicochemical variation, residue mobility, and thermodynamic stability) performed at Invitae indicates that this missense variant is expected to disrupt RAG1 protein function. In summary, the available evidence is currently insufficient to determine the role of this variant in disease. Therefore, it has been classified as a Variant of Uncertain Significance.

NM_000448.3(RAG1):c.455C>T (p.Pro152Leu)

Gene: RAG1 (recombination activating 1; plus strand). Cytogenetic location: 11p12.
Variant type: single nucleotide variant.
Coding change: c.455C>T on transcript NM_000448.3 (MANE Select); coding-DNA position 455, C replaced by T.
Protein change: p.Pro152Leu; replaces proline 152 with leucine.
Molecular consequence: missense variant.
Genome position (GRCh38, 1-based): chr11:36,573,759, C>T. VCF-style: chr11-36573759-C-T. GRCh37 (hg19) VCF-style: chr11-36595309-C-T.
Other names: c.455C>T, p.Pro152Leu (NM_001377277.1, NM_001377278.1, NM_001377279.1 and 1 more transcripts); short protein forms P152L.
Identifiers: ClinVar variation 1025020 (VCV001025020.7), dbSNP rs763843831, ClinGen allele CA5949982.